The following is an entry in ClinVar:

ClinVar aggregate classification (germline): Uncertain significance (1 of 4 stars; one submission).

Allele frequency attached by ClinVar (database versions not stated): TOPMed 0.00001; gnomAD 0.00003; ExAC 0.00008.
gnomAD v4.1: 72 of 1,601,372 alleles (0.0045%); highest among the groups gnomAD compares: South Asian, 0.033%; no homozygotes.

Submission:

Labcorp Genetics (formerly Invitae), Labcorp
Classification: Uncertain significance. Last evaluated: 2023-12-31. Review status: criteria provided, single submitter. Criteria: Invitae Variant Classification Sherloc (09022015). Collection method: clinical testing. Allele origin: germline.
Comment: This sequence change replaces alanine, which is neutral and non-polar, with threonine, which is neutral and polar, at codon 996 of the MCM3AP protein (p.Ala996Thr). This variant is present in population databases (rs747901017, gnomAD 0.05%). This variant has not been reported in the literature in individuals affected with MCM3AP-related conditions. ClinVar contains an entry for this variant (Variation ID: 2188844). Algorithms developed to predict the effect of missense changes on protein structure and function output the following: SIFT: "Not Available"; PolyPhen-2: "Benign"; Align-GVGD: "Not Available". The threonine amino acid residue is found in multiple mammalian species, which suggests that this missense change does not adversely affect protein function. In summary, the available evidence is currently insufficient to determine the role of this variant in disease. Therefore, it has been classified as a Variant of Uncertain Significance.

NM_003906.5(MCM3AP):c.2986G>A (p.Ala996Thr)

Gene: MCM3AP (minichromosome maintenance complex component 3 associated protein; minus strand). Cytogenetic location: 21q22.3.
Variant type: single nucleotide variant.
Coding change: c.2986G>A on transcript NM_003906.5 (MANE Select); coding-DNA position 2986, G replaced by A.
Protein change: p.Ala996Thr; replaces alanine 996 with threonine.
Molecular consequence: missense variant.
Genome position (GRCh38, 1-based): chr21:46,265,970, C>T on the plus strand (G>A on the coding strand, the complement: MCM3AP is on the minus strand). VCF-style: chr21-46265970-C-T. GRCh37 (hg19) VCF-style: chr21-47685884-C-T.
Other names: short protein forms A996T.
Identifiers: ClinVar variation 2188844 (VCV002188844.2), dbSNP rs747901017, ClinGen allele CA10076671.